The following is an entry in ClinVar:

NM_000051.4(ATM):c.3721_3722del (p.Tyr1241fs)

Gene: ATM (ATM serine/threonine kinase; plus strand). Cytogenetic location: 11q22.3.
Variant type: Deletion.
Coding change: c.3721_3722del on transcript NM_000051.4 (MANE Select); coding-DNA positions 3721 to 3722, 2 bases deleted (TA; older notation c.3721_3722delTA).
Protein change: p.Tyr1241fs; shifts the reading frame from tyrosine 1241.
Molecular consequence: frameshift variant.
Genome position (GRCh38, 1-based): chr11:108,282,854-108,282,855, TA deleted. VCF-style (leftmost placement, unchanged base first): chr11-108282853-CTA-C. GRCh37 (hg19) VCF-style: chr11-108153580-CTA-C.
Other names: c.3721_3722del, p.Tyr1241fs (NM_001351834.2); short protein forms Y1241fs.
Identifiers: ClinVar variation 1399513 (VCV001399513.6), dbSNP rs2135690723, ClinGen allele CA2573146606.
Genomic context (GRCh38, chr11:108,282,853, plus strand): 5'-ATGGCTAAATCTTCAAGATACTGAATACAACTTATCTTCTTTTCCTTTTATTTTATTAAA[CTA>C]CACAAATATTGAGGATTTCTATAGGTAAGTTTATACATGACATATGTGAAATTTGTTTAA-3'

ClinVar aggregate classification (germline): Pathogenic (1 of 4 stars; one submission).

Conditions:
Ataxia-telangiectasia syndrome (AT). Also called: Ataxia-telangiectasia, complementation group D; AT, COMPLEMENTATION GROUP C; Ataxia-telangiectasia; Ataxia telangiectasia (A-T); Ataxia-telangiectasia, complementation group E; Cerebello-oculocutaneous telangiectasia. Identifiers: Orphanet 100, MedGen C0004135, MONDO:0008840, OMIM 208900.

Allele frequency attached by ClinVar (database versions not stated): gnomAD exomes below 0.00001.

Submission:

Labcorp Genetics (formerly Invitae), Labcorp
Classification: Pathogenic for Ataxia-telangiectasia syndrome. Last evaluated: 2021-11-23. Review status: criteria provided, single submitter. Criteria: Invitae Variant Classification Sherloc (09022015). Collection method: clinical testing. Allele origin: germline.
Comment: For these reasons, this variant has been classified as Pathogenic. This variant has not been reported in the literature in individuals affected with ATM-related conditions. This variant is not present in population databases (gnomAD no frequency). This sequence change creates a premature translational stop signal (p.Tyr1241Hisfs*4) in the ATM gene. It is expected to result in an absent or disrupted protein product. Loss-of-function variants in ATM are known to be pathogenic (PMID: 23807571, 25614872).

Literature cited by the submitters: PubMed 23807571; PubMed 25614872.